The following is an entry in ClinVar:

NM_000540.3(RYR1):c.7793C>G (p.Ala2598Gly)

Gene: RYR1 (ryanodine receptor 1; plus strand). Cytogenetic location: 19q13.2.
Variant type: single nucleotide variant.
Coding change: c.7793C>G on transcript NM_000540.3 (MANE Select); coding-DNA position 7793, C replaced by G.
Protein change: p.Ala2598Gly; replaces alanine 2598 with glycine.
Molecular consequence: missense variant.
Genome position (GRCh38, 1-based): chr19:38,502,685, C>G. VCF-style: chr19-38502685-C-G. GRCh37 (hg19) VCF-style: chr19-38993325-C-G.
Other names: c.7793C>G (NM_000540.2); c.7793C>G, p.Ala2598Gly (NM_001042723.2); short protein forms A2598G.
Identifiers: ClinVar variation 1411026 (VCV001411026.12), dbSNP rs770719689, ClinGen allele CA308112261.
Genomic context (GRCh38, chr19:38,502,685, plus strand): 5'-TGGTGGACTCTATGCTGCATACCGTGTACCGCCTGTCTCGGGGTCGTTCGCTCACCAAGG[C>G]GCAGCGTGACGTCATCGAGGACTGCCTCATGTCGCTCTGCAGGTGGAGCGGGGCAGGCTT-3'
Protein context (NP_000531.2, residues 2588-2608): RLSRGRSLTK[Ala2598Gly]QRDVIEDCLM

ClinVar aggregate classification (germline): Uncertain significance. Review status: criteria provided, multiple submitters, no conflicts (2 of 4 stars). 5 submissions from 5 submitters: Uncertain significance (5). Last evaluated 2025-10-09.

Conditions:
King Denborough syndrome (KDS). Identifiers: MedGen C1840365, MONDO:0020485, OMIM 619542.
Congenital multicore myopathy with external ophthalmoplegia (CMYO1B). Also called: MULTIMINICORE DISEASE WITH EXTERNAL OPHTHALMOPLEGIA; MULTICORE MYOPATHY; Congenital myopathy 1B, autosomal recessive; Minicore myopathy; Minicore myopathy with external ophthalmoplegia. Identifiers: Orphanet 598, Orphanet 98905, MedGen C1850674, MONDO:0009712, OMIM 255320, HP:0003789.
Congenital myopathy with fiber type disproportion. Also called: Congenital fiber-type disproportion myopathy; Congenital fiber-type disproportion. Identifiers: Orphanet 2020, MedGen C0546264, MONDO:0009711. Inheritance: all.
Malignant hyperthermia, susceptibility to, 1 (MHS1). Also called: Anesthesia related hyperthermia; Malignant hyperpyrexia; Fulminating hyperpyrexia; Pharmacogenic myopathy; RYR1-Related Malignant Hyperthermia Susceptibility; Malignant hyperthermia suceptibility 1. Identifiers: Orphanet 423, MedGen C2930980, MONDO:0007783, OMIM 145600.
Central core myopathy (CMYO1A). Also called: Central core disease; Myopathy, central fibrillar; CONGENITAL MYOPATHY 1A, AUTOSOMAL DOMINANT, WITH SUSCEPTIBILITY TO MALIGNANT HYPERTHERMIA. Identifiers: Orphanet 597, MedGen C5830701, MONDO:0007294, OMIM 117000.
RYR1-related disorder. Also called: RYR1-related disorders; RYR1-related condition. Identifiers: MedGen CN239331.
Inborn genetic diseases. Identifiers: MedGen C0950123, MeSH D030342.

Allele frequency attached by ClinVar (database versions not stated): TOPMed below 0.00001.

Submissions (5):

Labcorp Genetics (formerly Invitae), Labcorp
Classification: Uncertain significance for RYR1-related disorder. Last evaluated: 2025-10-09. Review status: criteria provided, single submitter. Criteria: Invitae Variant Classification Sherloc (09022015). Collection method: clinical testing. Allele origin: germline.
Comment: This sequence change replaces alanine, which is neutral and non-polar, with glycine, which is neutral and non-polar, at codon 2598 of the RYR1 protein (p.Ala2598Gly). The frequency data for this variant in the population databases is considered unreliable, as metrics indicate poor data quality at this position in the gnomAD database. This variant has not been reported in the literature in individuals affected with RYR1-related conditions. ClinVar contains an entry for this variant (Variation ID: 1411026). Invitae Evidence Modeling of protein sequence and biophysical properties (such as structural, functional, and spatial information, amino acid conservation, physicochemical variation, residue mobility, and thermodynamic stability) indicates that this missense variant is not expected to disrupt RYR1 protein function with a negative predictive value of 80%. In summary, the available evidence is currently insufficient to determine the role of this variant in disease. Therefore, it has been classified as a Variant of Uncertain Significance.

All of Us Research Program, National Institutes of Health
Classification: Uncertain significance for Malignant hyperthermia, susceptibility to, 1. Last evaluated: 2024-06-17. Review status: criteria provided, single submitter. Criteria: ACMG Guidelines, 2015. Collection method: clinical testing. Allele origin: germline. Inheritance: Autosomal dominant inheritance. Observed: 4 variant alleles, 4 heterozygotes.
Comment: This missense variant replaces alanine with glycine at codon 2598 of the RYR1 protein. Computational prediction is inconclusive regarding the impact of this variant on protein structure and function (internally defined REVEL score threshold 0.5 < inconclusive < 0.7, PMID: 27666373). To our knowledge, functional studies have not been reported for this variant. This variant has not been reported in individuals affected with RYR1-related disorders in the literature. This variant has been identified in 2/279822 chromosomes in the general population by the Genome Aggregation Database (gnomAD). The available evidence is insufficient to determine the role of this variant in disease conclusively. Therefore, this variant is classified as a Variant of Uncertain Significance.

This study involves interpretation of variants in research participants for the purpose of population health screening. Participant phenotype was not available at the time of variant classification. Additional details can be found in publication PMID: 35346344, PMCID: PMC8962531

Ambry Genetics
Classification: Uncertain significance for Inborn genetic diseases. Last evaluated: 2024-06-02. Review status: criteria provided, single submitter. Criteria: Ambry Variant Classification Scheme 2023. Collection method: clinical testing. Allele origin: germline.

Revvity Omics, Revvity
Classification: Uncertain significance. Last evaluated: 2023-02-15. Review status: criteria provided, single submitter. Criteria: ACMG Guidelines, 2015. Collection method: clinical testing. Allele origin: germline.

Fulgent Genetics
Classification: Uncertain significance for Central core myopathy; Malignant hyperthermia, susceptibility to, 1; Congenital myopathy 4A, autosomal dominant; Congenital multicore myopathy with external ophthalmoplegia; King Denborough syndrome. Last evaluated: 2021-08-26. Review status: criteria provided, single submitter. Criteria: ACMG Guidelines, 2015. Collection method: clinical testing. Allele origin: unknown.